The following is an entry in ClinVar:

NM_000310.4(PPT1):c.707T>A (p.Val236Glu)

Gene: PPT1 (palmitoyl-protein thioesterase 1; minus strand). Cytogenetic location: 1p34.2.
Variant type: single nucleotide variant.
Coding change: c.707T>A on transcript NM_000310.4 (MANE Select); coding-DNA position 707, T replaced by A.
Protein change: p.Val236Glu; replaces valine 236 with glutamic acid.
Molecular consequence: missense variant.
Genome position (GRCh38, 1-based): chr1:40,078,579, A>T on the plus strand (T>A on the coding strand, the complement: PPT1 is on the minus strand). VCF-style: chr1-40078579-A-T. GRCh37 (hg19) VCF-style: chr1-40544251-A-T.
Other names: c.398T>A, p.Val133Glu (NM_001142604.2); c.707T>A, p.Val236Glu (NM_001363695.2); short protein forms V236E, V133E.
Identifiers: ClinVar variation 236409 (VCV000236409.13), dbSNP rs878853324, ClinGen allele CA10581622.

ClinVar aggregate classification (germline): Conflicting classifications of pathogenicity. Review status: criteria provided, conflicting classifications (1 of 4 stars). 5 submissions from 5 submitters: Likely pathogenic (3); Uncertain significance (1). 1 of the submissions does not count toward it. Last evaluated 2026-04-23.

Conditions:
Neuronal ceroid lipofuscinosis. Also called: Neuronal Ceroid Lipofuscinoses. Identifiers: Orphanet 216, Orphanet 79263, MedGen C0027877, MONDO:0016295. Disease mechanism: loss of function.
Neuronal ceroid lipofuscinosis 1 (CLN1). Also called: PPT1-Related Neuronal Ceroid-Lipofuscinosis; CEROID LIPOFUSCINOSIS, NEURONAL, 1, VARIABLE AGE AT ONSET. Identifiers: Orphanet 228329, MedGen C1850451, MONDO:0009744, OMIM 256730.

Allele frequency attached by ClinVar (database versions not stated): gnomAD exomes below 0.00001; TOPMed below 0.00001.
gnomAD v4.1: 1 of 1,613,876 alleles (0.000062%); highest among the groups gnomAD compares: South Asian, 0.0011%; no homozygotes.

Submissions (5):

Myriad Genetics, Inc.
Classification: Uncertain significance for Neuronal ceroid lipofuscinosis 1. Last evaluated: 2026-04-23. Review status: criteria provided, single submitter. Criteria: Myriad Autosomal Dominant, Autosomal Recessive and X-Linked Classification Criteria (2023). Collection method: clinical testing. Allele origin: unknown.
Comment: NM_000310.3(PPT1):c.707T>A(V236E) is a missense variant classified as a variant of uncertain significance in the context of neuronal ceroid lipofuscinosis, PPT1-related. V236E has been observed in a case with relevant disease (PMID: 30541466). Relevant functional assessments of this variant are not available in the literature. V236E has not been observed in referenced population frequency databases. In summary, there is insufficient evidence to classify NM_000310.3(PPT1):c.707T>A(V236E) as pathogenic or benign. Please note: this variant was assessed in the context of healthy population screening.

Women's Health and Genetics/Laboratory Corporation of America, LabCorp
Classification: Likely pathogenic for Neuronal ceroid lipofuscinosis. Last evaluated: 2025-07-31. Review status: criteria provided, single submitter. Criteria: LabCorp Variant Classification Summary - May 2015. Collection method: clinical testing. Allele origin: germline.
Comment: Variant summary: PPT1 c.707T>A (p.Val236Glu) results in a non-conservative amino acid change in the encoded protein sequence. Algorithms developed to predict the effect of missense changes on protein structure and function all suggest that this variant is likely to be disruptive. The variant was absent in 251402 control chromosomes. c.707T>A has been observed in the homozygous state in at least 1 individual(s) affected with Neuronal Ceroid-Lipofuscinosis (Batten Disease) (example, Sheth_2018, Bhavsar_2016). These data indicate that the variant may be associated with disease. At least one publication reports experimental evidence evaluating an impact on protein function. The most pronounced variant effect results in <10% of normal activity in patient sample(s) (Sheth_2018). The following publication has been ascertained in the context of this evaluation (PMID: 30541466). ClinVar contains an entry for this variant (Variation ID: 236409). Based on the evidence outlined above, the variant was classified as likely pathogenic.

Labcorp Genetics (formerly Invitae), Labcorp
Classification: Likely pathogenic for Neuronal ceroid lipofuscinosis 1. Last evaluated: 2024-12-12. Review status: criteria provided, single submitter. Criteria: Invitae Variant Classification Sherloc (09022015). Collection method: clinical testing. Allele origin: germline.
Comment: This sequence change replaces valine, which is neutral and non-polar, with glutamic acid, which is acidic and polar, at codon 236 of the PPT1 protein (p.Val236Glu). This variant is not present in population databases (gnomAD no frequency). This missense change has been observed in individual(s) with autosomal recessive neuronal ceroid lipofuscinosis (PMID: 30541466). ClinVar contains an entry for this variant (Variation ID: 236409). Invitae Evidence Modeling of protein sequence and biophysical properties (such as structural, functional, and spatial information, amino acid conservation, physicochemical variation, residue mobility, and thermodynamic stability) indicates that this missense variant is expected to disrupt PPT1 protein function with a positive predictive value of 95%. In summary, the currently available evidence indicates that the variant is pathogenic, but additional data are needed to prove that conclusively. Therefore, this variant has been classified as Likely Pathogenic.

GeneDx
Classification: Likely pathogenic. Last evaluated: 2024-08-20. Review status: criteria provided, single submitter. Criteria: GeneDx Variant Classification Process June 2021. Collection method: clinical testing. Allele origin: germline. Affected: yes.
Comment: Not observed at significant frequency in large population cohorts (gnomAD); In silico analysis supports that this missense variant has a deleterious effect on protein structure/function; This variant is associated with the following publications: (PMID: Bhavsar2016[CaseReport], 30541466)

Foundation for Research in Genetics and Endocrinology, FRIGE's Institute of Human Genetics
Classification: Likely pathogenic for Neuronal ceroid lipofuscinosis 1. Last evaluated: 2015-03-26. Review status: no assertion criteria provided. Collection method: research. Allele origin: germline. Inheritance: Autosomal recessive inheritance. Affected: yes. Observed: 1 homozygote. Not counted in ClinVar's aggregate classification.
Comment: Variant c.707T>A/p.V236E (ENST00000433473) found to be pathogenic by online software Mutation Taster, SIFT and Polyphen2

Literature cited by the submitters: PubMed 30541466 (cited by 3 submitters).